The following is an entry in ClinVar:

NM_019597.5(HNRNPH2):c.466T>C (p.Phe156Leu)

Genes: HNRNPH2 (heterogeneous nuclear ribonucleoprotein H2; plus strand), RPL36A-HNRNPH2 (RPL36A-HNRNPH2 readthrough; plus strand). Cytogenetic location: Xq22.1.
Variant type: single nucleotide variant.
Coding change: c.466T>C on transcript NM_019597.5 (MANE Select); coding-DNA position 466, T replaced by C.
Protein change: p.Phe156Leu; replaces phenylalanine 156 with leucine.
Molecular consequence: missense variant. On other transcripts: 3 prime UTR variant (2).
Genome position (GRCh38, 1-based): chrX:101,412,454, T>C. VCF-style: chrX-101412454-T-C. GRCh37 (hg19) VCF-style: chrX-100667442-T-C.
Other names: c.*462T>C (NM_001199973.2, NM_001199974.2); c.466T>C, p.Phe156Leu (NM_001032393.3); short protein forms F156L.
Identifiers: ClinVar variation 4086660 (VCV004086660.1).

ClinVar aggregate classification (germline): Uncertain significance (1 of 4 stars; one submission).

Submission:

GeneDx
Classification: Uncertain significance. Last evaluated: 2025-03-14. Review status: criteria provided, single submitter. Criteria: GeneDx Variant Classification Process June 2021. Collection method: clinical testing. Allele origin: germline. Affected: yes.
Comment: Not observed at significant frequency in large population cohorts (gnomAD); In silico analysis supports that this missense variant has a deleterious effect on protein structure/function; Has not been previously published as pathogenic or benign to our knowledge